The following is an entry in ClinVar:

ClinVar aggregate classification (germline): Uncertain significance (1 of 4 stars; one submission).

Conditions:
Cardiovascular phenotype. Identifiers: MedGen CN230736.

Allele frequency attached by ClinVar (database versions not stated): TOPMed below 0.00001; ExAC 0.00001; gnomAD 0.00001.
gnomAD v4.1: 1 of 1,614,038 alleles (0.000062%); highest among the groups gnomAD compares: African/African-American, 0.0013%; no homozygotes.

Submission:

Ambry Genetics
Classification: Uncertain significance for Cardiovascular phenotype. Last evaluated: 2023-09-08. Review status: criteria provided, single submitter. Criteria: Ambry Variant Classification Scheme 2023. Collection method: clinical testing. Allele origin: germline.
Comment: The p.L465F variant (also known as c.1395G>C), located in coding exon 5 of the ALPK3 gene, results from a G to C substitution at nucleotide position 1395. The leucine at codon 465 is replaced by phenylalanine, an amino acid with highly similar properties. This amino acid position is conserved. In addition, this alteration is predicted to be tolerated by in silico analysis. Since supporting evidence is limited at this time, the clinical significance of this alteration remains unclear.

NM_020778.5(ALPK3):c.789G>C (p.Leu263Phe)

Gene: ALPK3 (alpha kinase 3; plus strand). Cytogenetic location: 15q25.3.
Variant type: single nucleotide variant.
Coding change: c.789G>C on transcript NM_020778.5 (MANE Select); coding-DNA position 789, G replaced by C.
Protein change: p.Leu263Phe; replaces leucine 263 with phenylalanine.
Molecular consequence: missense variant.
Genome position (GRCh38, 1-based): chr15:84,840,068, G>C. VCF-style: chr15-84840068-G-C. GRCh37 (hg19) VCF-style: chr15-85383299-G-C.
Other names: short protein forms L263F.
Identifiers: ClinVar variation 2625932 (VCV002625932.2), dbSNP rs774145178, ClinGen allele CA7709071.